The following is an entry in ClinVar:

ClinVar aggregate classification (germline): Uncertain significance (1 of 4 stars; one submission).

Conditions:
Inborn genetic diseases. Identifiers: MedGen C0950123, MeSH D030342.

gnomAD v4.1: 3 of 1,611,358 alleles (0.00019%); highest among the groups gnomAD compares: Non-Finnish European, 0.00025%; no homozygotes.

Submission:

Ambry Genetics
Classification: Uncertain significance for Inborn genetic diseases. Last evaluated: 2026-07-29. Review status: criteria provided, single submitter. Criteria: Ambry Variant Classification Scheme 2023. Collection method: clinical testing. Allele origin: germline.
Comment: The c.946A>G (p.T316A) alteration is located in exon 8 (coding exon 8) of the ATAD3A gene. This alteration results from a A to G substitution at nucleotide position 946, causing the threonine (T) at amino acid position 316 to be replaced by an alanine (A). Based on data from gnomAD, the G allele has an overall frequency of <0.001% (1/248968) total alleles studied. The highest observed frequency was 0.001% (1/112242) of European (non-Finnish) alleles. Based on insufficient or conflicting evidence, the clinical significance of this alteration remains unclear.

NM_001170535.3(ATAD3A):c.802A>G (p.Thr268Ala)

Gene: ATAD3A (ATPase family AAA domain containing 3A; plus strand). Cytogenetic location: 1p36.33.
Variant type: single nucleotide variant.
Coding change: c.802A>G on transcript NM_001170535.3 (MANE Select); coding-DNA position 802, A replaced by G.
Protein change: p.Thr268Ala; replaces threonine 268 with alanine.
Molecular consequence: missense variant.
Genome position (GRCh38, 1-based): chr1:1,522,795, A>G. VCF-style: chr1-1522795-A-G. GRCh37 (hg19) VCF-style: chr1-1458175-A-G.
Other names: c.565A>G, p.Thr189Ala (NM_001170536.3); c.946A>G, p.Thr316Ala (NM_018188.5); short protein forms T268A, T189A, T316A.
Identifiers: ClinVar variation 5030808 (VCV005030808.1).